The following is an entry in ClinVar:

NM_001113378.2(FANCI):c.2674G>T (p.Val892Leu)

Gene: FANCI (FA complementation group I; plus strand). Cytogenetic location: 15q26.1.
Variant type: single nucleotide variant.
Coding change: c.2674G>T on transcript NM_001113378.2 (MANE Select); coding-DNA position 2674, G replaced by T.
Protein change: p.Val892Leu; replaces valine 892 with leucine.
Molecular consequence: missense variant.
Genome position (GRCh38, 1-based): chr15:89,299,837, G>T. VCF-style: chr15-89299837-G-T. GRCh37 (hg19) VCF-style: chr15-89843068-G-T.
Other names: c.2395G>T, p.Val799Leu (NM_001376910.1); c.2674G>T, p.Val892Leu (NM_001376911.1); c.2494G>T, p.Val832Leu (NM_018193.3); short protein forms V799L, V832L, V892L.
Identifiers: ClinVar variation 1052677 (VCV001052677.8), dbSNP rs760751687, ClinGen allele CA7723436.

ClinVar aggregate classification (germline): Uncertain significance (1 of 4 stars; one submission).

Conditions:
Fanconi anemia (FA). Also called: Fanconi's anemia. Identifiers: Orphanet 84, MedGen C0015625, MeSH D005199, MONDO:0019391.

gnomAD v4.1: 3 of 1,613,954 alleles (0.00019%); highest among the groups gnomAD compares: East Asian, 0.0067%; no homozygotes.

Submission:

Labcorp Genetics (formerly Invitae), Labcorp
Classification: Uncertain significance for Fanconi anemia. Last evaluated: 2024-02-08. Review status: criteria provided, single submitter. Criteria: Invitae Variant Classification Sherloc (09022015). Collection method: clinical testing. Allele origin: germline.
Comment: This sequence change replaces valine, which is neutral and non-polar, with leucine, which is neutral and non-polar, at codon 892 of the FANCI protein (p.Val892Leu). This variant is present in population databases (rs760751687, gnomAD 0.006%). This variant has not been reported in the literature in individuals affected with FANCI-related conditions. ClinVar contains an entry for this variant (Variation ID: 1052677). An algorithm developed to predict the effect of missense changes on protein structure and function (PolyPhen-2) suggests that this variant is likely to be disruptive. In summary, the available evidence is currently insufficient to determine the role of this variant in disease. Therefore, it has been classified as a Variant of Uncertain Significance.